The following is an entry in ClinVar:

ClinVar aggregate classification (germline): Uncertain significance. Review status: criteria provided, multiple submitters, no conflicts (2 of 4 stars). 2 submissions from 2 submitters: Uncertain significance (2). Last evaluated 2025-03-12.

Conditions:
Hereditary nonpolyposis colorectal neoplasms. Identifiers: MedGen C0009405, MeSH D003123.
Hereditary cancer-predisposing syndrome. Also called: Hereditary Cancer Syndrome; Neoplastic Syndromes, Hereditary; Tumor predisposition; Hereditary neoplastic syndrome. Identifiers: Orphanet 140162, MedGen C0027672, MeSH D009386, MONDO:0015356.

Allele frequency attached by ClinVar (database versions not stated): gnomAD exomes below 0.00001.
gnomAD v4.1: 1 of 1,614,182 alleles (0.000062%); highest among the groups gnomAD compares: Non-Finnish European, 0.000085%; no homozygotes.

Submissions (2):

Ambry Genetics
Classification: Uncertain significance for Hereditary cancer-predisposing syndrome. Last evaluated: 2025-03-12. Review status: criteria provided, single submitter. Criteria: Ambry Variant Classification Scheme 2023. Collection method: clinical testing. Allele origin: germline.
Comment: The p.K476E variant (also known as c.1426A>G), located in coding exon 4 of the MSH6 gene, results from an A to G substitution at nucleotide position 1426. The lysine at codon 476 is replaced by glutamic acid, an amino acid with similar properties. This amino acid position is highly conserved in available vertebrate species. In addition, this alteration is predicted to be deleterious by in silico analysis. Based on the available evidence, the clinical significance of this variant remains unclear.

Labcorp Genetics (formerly Invitae), Labcorp
Classification: Uncertain significance for Hereditary nonpolyposis colorectal neoplasms. Last evaluated: 2024-04-30. Review status: criteria provided, single submitter. Criteria: Invitae Variant Classification Sherloc (09022015). Collection method: clinical testing. Allele origin: germline.
Comment: This sequence change replaces lysine, which is basic and polar, with glutamic acid, which is acidic and polar, at codon 476 of the MSH6 protein (p.Lys476Glu). This variant is not present in population databases (gnomAD no frequency). This variant has not been reported in the literature in individuals affected with MSH6-related conditions. ClinVar contains an entry for this variant (Variation ID: 479980). Advanced modeling of protein sequence and biophysical properties (such as structural, functional, and spatial information, amino acid conservation, physicochemical variation, residue mobility, and thermodynamic stability) performed at Invitae indicates that this missense variant is not expected to disrupt MSH6 protein function with a negative predictive value of 95%. In summary, the available evidence is currently insufficient to determine the role of this variant in disease. Therefore, it has been classified as a Variant of Uncertain Significance.

NM_000179.3(MSH6):c.1426A>G (p.Lys476Glu)

Gene: MSH6 (mutS homolog 6; plus strand). Cytogenetic location: 2p16.3.
Variant type: single nucleotide variant.
Coding change: c.1426A>G on transcript NM_000179.3 (MANE Select); coding-DNA position 1426, A replaced by G.
Protein change: p.Lys476Glu; replaces lysine 476 with glutamic acid.
Molecular consequence: missense variant.
Genome position (GRCh38, 1-based): chr2:47,799,409, A>G. VCF-style: chr2-47799409-A-G. GRCh37 (hg19) VCF-style: chr2-48026548-A-G.
Other names: c.520A>G, p.Lys174Glu (NM_001281493.2, NM_001281494.2); c.1036A>G, p.Lys346Glu (NM_001281492.2); short protein forms K476E, K174E, K346E.
Identifiers: ClinVar variation 479980 (VCV000479980.16), dbSNP rs1229494027, ClinGen allele CA346745438.